The following is an entry in ClinVar:

NM_000285.4(PEPD):c.1409G>A (p.Arg470His)

Gene: PEPD (peptidase D; minus strand). Cytogenetic location: 19q13.11.
Variant type: single nucleotide variant.
Coding change: c.1409G>A on transcript NM_000285.4 (MANE Select); coding-DNA position 1409, G replaced by A.
Protein change: p.Arg470His; replaces arginine 470 with histidine.
Molecular consequence: missense variant.
Genome position (GRCh38, 1-based): chr19:33,387,417, C>T on the plus strand (G>A on the coding strand, the complement: PEPD is on the minus strand). VCF-style: chr19-33387417-C-T. GRCh37 (hg19) VCF-style: chr19-33878323-C-T.
Other names: c.1286G>A, p.Arg429His (NM_001166056.2); c.1217G>A, p.Arg406His (NM_001166057.2); c.1409G>A (NM_000285.3); short protein forms R406H, R429H, R470H.
Identifiers: ClinVar variation 1010348 (VCV001010348.10), dbSNP rs765552774, ClinGen allele CA9363865.

ClinVar aggregate classification (germline): Uncertain significance. Review status: criteria provided, multiple submitters, no conflicts (2 of 4 stars). 5 submissions from 5 submitters: Uncertain significance (5). Last evaluated 2026-02-06.

Conditions:
Prolidase deficiency. Identifiers: Orphanet 742, MedGen C0268532, MONDO:0008221, OMIM 170100.
Inborn genetic diseases. Identifiers: MedGen C0950123, MeSH D030342.

Allele frequency attached by ClinVar (database versions not stated): gnomAD 0.00004 and 0.00003; gnomAD exomes 0.00005 and 0.00019; TOPMed 0.00006; ExAC 0.00012.
gnomAD v4.1: 72 of 1,613,888 alleles (0.0045%); highest among the groups gnomAD compares: Admixed American, 0.082%; no homozygotes.

Submissions (5):

Ambry Genetics
Classification: Uncertain significance for Inborn genetic diseases. Last evaluated: 2026-02-06. Review status: criteria provided, single submitter. Criteria: Ambry Variant Classification Scheme 2023. Collection method: clinical testing. Allele origin: germline.
Comment: The c.1409G>A (p.R470H) alteration is located in exon 15 (coding exon 15) of the PEPD gene. This alteration results from a G to A substitution at nucleotide position 1409, causing the arginine (R) at amino acid position 470 to be replaced by a histidine (H). Based on data from gnomAD, the A allele has an overall frequency of 0.017% (49/280814) total alleles studied. The highest observed frequency was 0.124% (44/35374) of Latino alleles. Based on insufficient or conflicting evidence, the clinical significance of this alteration remains unclear.

GeneDx
Classification: Uncertain significance. Last evaluated: 2025-04-02. Review status: criteria provided, single submitter. Criteria: GeneDx Variant Classification Process June 2021. Collection method: clinical testing. Allele origin: germline. Affected: yes.
Comment: Identified in individuals with prolidase deficiency in the published literature, however, these individuals harbored two additional PEPD variants that were thought to likely be causative (PMID: 33877262, Ullah S et al. A Case report of rare disease Prolidase deficiency in a 15-year-old Pakistan boy. J Rare Dis Res Treat. 2022 7(2)); In silico analysis supports that this missense variant has a deleterious effect on protein structure/function; This variant is associated with the following publications: (PMID: Ullah2022[Article], 33877262)

Blueprint Genetics
Classification: Uncertain significance. Last evaluated: 2024-02-15. Review status: criteria provided, single submitter. Criteria: ACMG Guidelines, 2015. Collection method: clinical testing. Allele origin: germline.

Laboratorio de Genetica e Diagnostico Molecular, Hospital Israelita Albert Einstein
Classification: Uncertain significance for Prolidase deficiency. Last evaluated: 2023-08-11. Review status: criteria provided, single submitter. Criteria: ACMG Guidelines, 2015. Collection method: clinical testing. Allele origin: germline. Affected: yes.
Comment: ACMG classification criteria: PP3 supporting

Labcorp Genetics (formerly Invitae), Labcorp
Classification: Uncertain significance. Last evaluated: 2022-09-01. Review status: criteria provided, single submitter. Criteria: Invitae Variant Classification Sherloc (09022015). Collection method: clinical testing. Allele origin: germline.
Comment: This sequence change replaces arginine, which is basic and polar, with histidine, which is basic and polar, at codon 470 of the PEPD protein (p.Arg470His). This variant is present in population databases (rs765552774, gnomAD 0.1%). This variant has not been reported in the literature in individuals affected with PEPD-related conditions. ClinVar contains an entry for this variant (Variation ID: 1010348). Algorithms developed to predict the effect of missense changes on protein structure and function are either unavailable or do not agree on the potential impact of this missense change (SIFT: "Deleterious"; PolyPhen-2: "Probably Damaging"; Align-GVGD: "Class C0"). In summary, the available evidence is currently insufficient to determine the role of this variant in disease. Therefore, it has been classified as a Variant of Uncertain Significance.